The following is an entry in ClinVar:

ClinVar aggregate classification (germline): Uncertain significance (1 of 4 stars; one submission).

Conditions:
Early-infantile DEE. Also called: Early infantile epileptic encephalopathy with suppression bursts; Early infantile epileptic encephalopathy; Ohtahara syndrome. Identifiers: Orphanet 1934, MedGen C0393706, MONDO:0800491.

Submission:

Labcorp Genetics (formerly Invitae), Labcorp
Classification: Uncertain significance for Early-infantile DEE. Last evaluated: 2024-06-17. Review status: criteria provided, single submitter. Criteria: Invitae Variant Classification Sherloc (09022015). Collection method: clinical testing. Allele origin: germline.
Comment: This sequence change replaces glutamic acid, which is acidic and polar, with glycine, which is neutral and non-polar, at codon 1861 of the SCN8A protein (p.Glu1861Gly). This variant is not present in population databases (gnomAD no frequency). This variant has not been reported in the literature in individuals affected with SCN8A-related conditions. ClinVar contains an entry for this variant (Variation ID: 1464681). Advanced modeling of protein sequence and biophysical properties (such as structural, functional, and spatial information, amino acid conservation, physicochemical variation, residue mobility, and thermodynamic stability) performed at Invitae indicates that this missense variant is not expected to disrupt SCN8A protein function with a negative predictive value of 95%. In summary, the available evidence is currently insufficient to determine the role of this variant in disease. Therefore, it has been classified as a Variant of Uncertain Significance.

NM_001330260.2(SCN8A):c.5582A>G (p.Glu1861Gly)

Gene: SCN8A (sodium voltage-gated channel alpha subunit 8; plus strand). Cytogenetic location: 12q13.13.
Variant type: single nucleotide variant.
Coding change: c.5582A>G on transcript NM_001330260.2 (MANE Select); coding-DNA position 5582, A replaced by G.
Protein change: p.Glu1861Gly; replaces glutamic acid 1861 with glycine.
Molecular consequence: missense variant.
Genome position (GRCh38, 1-based): chr12:51,807,068, A>G. VCF-style: chr12-51807068-A-G. GRCh37 (hg19) VCF-style: chr12-52200852-A-G.
Other names: c.5459A>G, p.Glu1820Gly (NM_001177984.3, NM_001369788.1); c.5582A>G, p.Glu1861Gly (NM_014191.4); short protein forms E1861G, E1820G.
Identifiers: ClinVar variation 1464681 (VCV001464681.7), dbSNP rs2138944042, ClinGen allele CA384887768.